The following is an entry in ClinVar:

NM_001042492.3(NF1):c.1420A>G (p.Ser474Gly)

Gene: NF1 (neurofibromin 1; plus strand). Cytogenetic location: 17q11.2.
Variant type: single nucleotide variant.
Coding change: c.1420A>G on transcript NM_001042492.3 (MANE Select); coding-DNA position 1420, A replaced by G.
Protein change: p.Ser474Gly; replaces serine 474 with glycine.
Molecular consequence: missense variant.
Genome position (GRCh38, 1-based): chr17:31,214,478, A>G. VCF-style: chr17-31214478-A-G. GRCh37 (hg19) VCF-style: chr17-29541496-A-G.
Other names: c.1420A>G, p.Ser474Gly (NM_000267.4, NM_001128147.3); short protein forms S474G.
Identifiers: ClinVar variation 5038415 (VCV005038415.1).
Genomic context (GRCh38, chr17:31,214,478, plus strand): 5'-ATGTCTGATACCATGTTTTTGTTTTGTTTTTAGAGTCTTACATTTAAAGAAAAAGTAACA[A>G]GCCTTAAATTTAAAGAAAAACCTACAGACCTGGAGACAAGAAGCTATAAGTATCTTCTCT-3'
Protein context (NP_001035957.1, residues 464-484): PSLTFKEKVT[Ser474Gly]LKFKEKPTDL

ClinVar aggregate classification (germline): Uncertain significance (1 of 4 stars; one submission).

Conditions:
Neurofibromatosis, type 1 (NF1). Also called: NEUROFIBROMATOSIS, TYPE I, SOMATIC; Peripheral type neurofibromatosis; Neurofibromatosis, type I; VON RECKLINGHAUSEN DISEASE. Identifiers: Orphanet 636, MedGen C0027831, MONDO:0018975, OMIM 162200. Disease mechanism: loss of function.

Submission:

St. Jude Molecular Pathology, St. Jude Children's Research Hospital
Classification: Uncertain significance for Neurofibromatosis, type 1. Last evaluated: 2026-10-01. Review status: criteria provided, single submitter. Criteria: St. Jude Assertion Criteria 2020. Collection method: clinical testing. Allele origin: germline.
Comment: The NF1 c.1420A>G p.(Ser474Gly) missense change is absent in gnomAD v2.1.1. The in silico tool REVEL predicts a benign effect on protein function, but to our knowle dge this prediction has not been confirmed by functional studies. To our knowledge, this variant has not been reported in individuals with Neurofibromatosis type 1. In summary, the evidence currently available is insufficient to determine the clinical s ignificance of this variant. It has therefore been classified as of uncertain significance.